The following is an entry in ClinVar:

NM_016138.5(COQ7):c.-11_-7dup

Genes: COQ7 (coenzyme Q7, hydroxylase; plus strand), COQ7-DT (COQ7 divergent transcript; minus strand), LOC130058587 (ATAC-STARR-seq lymphoblastoid silent region 7240; plus strand). Cytogenetic location: 16p12.3.
Variant type: Duplication.
Coding change: c.-11_-7dup on transcript NM_016138.5 (MANE Select); 11 bases upstream of the start codon through 7 bases upstream of the start codon, 5 bases duplicated (TAGTT; older notation c.-11_-7dupTAGTT).
Molecular consequence: 5 prime UTR variant. On other transcripts: non-coding transcript variant (5).
Genome position (GRCh38, 1-based): chr16:19,067,654-19,067,658, TAGTT duplicated; duplicating any 5 consecutive bases within chr16:19,067,652-19,067,658 gives the same sequence; the c. name uses the placement nearest the transcript's 3' end. VCF-style (leftmost placement, unchanged base first): chr16-19067651-T-TTTTAG. GRCh37 (hg19) VCF-style: chr16-19078973-T-TTTTAG.
Other names: c.-11_-7dup (NM_001370490.1).
Identifiers: ClinVar variation 3032882 (VCV003032882.2), dbSNP rs2509307586, ClinGen allele CA2740093270.

ClinVar aggregate classification (germline): Uncertain significance (0 of 4 stars; one submission).

Conditions:
COQ7-related disorder. Also called: COQ7-related condition.

Submission:

PreventionGenetics, part of Exact Sciences
Classification: Uncertain significance for COQ7-related condition. Last evaluated: 2023-11-21. Review status: no assertion criteria provided. Collection method: clinical testing. Allele origin: germline.
Comment: The COQ7 c.-11_-7dup5 variant is located in the 5' untranslated region. To our knowledge, this variant has not been reported in the literature or in a large population database, indicating this variant is rare. At this time, the clinical significance of this variant is uncertain due to the absence of conclusive functional and genetic evidence.